The following is an entry in ClinVar:

ClinVar aggregate classification (germline): Pathogenic/Likely pathogenic. Review status: criteria provided, multiple submitters, no conflicts (2 of 4 stars). 7 submissions from 7 submitters: Pathogenic (5); Likely pathogenic (1). 1 of the submissions does not count toward it. Last evaluated 2024-11-09.

Conditions:
Multiple endocrine neoplasia, type 1 (MEN1). Also called: MEA I; MEN I; WERMER SYNDROME; Endocrine adenomatosis multiple; MEN 1. Identifiers: Orphanet 652, MedGen C0025267, MeSH D018761, MONDO:0007540, OMIM 131100.
Hereditary cancer-predisposing syndrome. Also called: Hereditary Cancer Syndrome; Neoplastic Syndromes, Hereditary; Tumor predisposition; Hereditary neoplastic syndrome. Identifiers: Orphanet 140162, MedGen C0027672, MeSH D009386, MONDO:0015356.

Submissions (7):

Labcorp Genetics (formerly Invitae), Labcorp
Classification: Pathogenic for Multiple endocrine neoplasia, type 1. Last evaluated: 2024-11-09. Review status: criteria provided, single submitter. Criteria: Invitae Variant Classification Sherloc (09022015). Collection method: clinical testing. Allele origin: germline.
Comment: This sequence change affects the initiator methionine of the MEN1 mRNA. The next in-frame methionine is located at codon 228. This variant is not present in population databases (gnomAD no frequency). Disruption of the initiator codon has been observed in individuals with multiple endocrine neoplasia type 1 (PMID: 28736585, 29036195; internal data). ClinVar contains an entry for this variant (Variation ID: 188376). For these reasons, this variant has been classified as Pathogenic.

Myriad Genetics, Inc.
Classification: Pathogenic for Multiple endocrine neoplasia, type 1. Last evaluated: 2023-03-03. Review status: criteria provided, single submitter. Criteria: Myriad Autosomal Dominant, Autosomal Recessive and X-Linked Classification Criteria (2023). Collection method: clinical testing. Allele origin: unknown.
Comment: This variant is considered pathogenic. This variant has been reported in multiple individuals with clinical features of gene-specific disease [PMID: 28736585, 35407574, 29036195, 31482957, 36654999, 28329921, 24915123].

New York Genome Center
Classification: Pathogenic for Multiple endocrine neoplasia, type 1. Last evaluated: 2021-07-25. Review status: criteria provided, single submitter. Criteria: NYGC Assertion Criteria 2020. Collection method: clinical testing. Allele origin: germline. Observed: 1 heterozygote.
Comment: The c.3G>A, p.Met1? variant identified in the MEN1 gene has been reported previously in individuals affected with MEN1-related disease (PMID:26767918). This variant affects the initiator methionine of the MEN1 mRNA, and the next in-frame methionine is located at codon 228. The variant is absent in the gnomAD v3.1.1 database, indicating it is an extremely rare allele in the populations represented in this database. Other variants that disrupt the initiator methionine in MEN1 also have been observed in affected individuals with MEN1-related disease (PMID: 28736585, 29036195, 15714081, 26515642). Based on the available evidence, the heterozygous start lost variant c.3G>A, p.Met1? in the MEN1 gene is classified as pathogenic.

GeneDx
Classification: Pathogenic. Last evaluated: 2020-07-09. Review status: criteria provided, single submitter. Criteria: GeneDx Variant Classification Process June 2021. Collection method: clinical testing. Allele origin: germline. Affected: yes.
Comment: Initiation codon variant in a gene for which loss-of-function is a known mechanism of disease; Not observed in large population cohorts (Lek et al., 2016); This variant is associated with the following publications: (PMID: 26767918)

Center for Human Genetics, Inc
Classification: Likely pathogenic for Multiple endocrine neoplasia, type 1. Last evaluated: 2016-11-01. Review status: criteria provided, single submitter. Criteria: ACMG Guidelines, 2015. Collection method: clinical testing. Allele origin: germline. Affected: yes.

Ambry Genetics
Classification: Pathogenic for Hereditary cancer-predisposing syndrome. Last evaluated: 2016-10-26. Review status: criteria provided, single submitter. Criteria: Ambry Variant Classification Scheme 2023. Collection method: clinical testing. Allele origin: germline.
Comment: The p.M1? pathogenic mutation (also known as c.3G>A) is located in coding exon 1 of the MEN1 gene and results from a G to A substitution at nucleotide position 3. This alters the methionine residue at the initiation codon. Since sequence variations that modify the initiation codon (ATG) are expected to result in either loss of translation initiation, N-terminal truncation, or cause a shift in the mRNA reading frame, this alteration is interpreted as a disease-causing mutation.

Counsyl
Classification: Likely pathogenic for Multiple endocrine neoplasia, type 1. Last evaluated: 2016-09-07. Review status: no assertion criteria provided. Collection method: clinical testing. Allele origin: unknown. Not counted in ClinVar's aggregate classification.

Literature cited by the submitters: PubMed 28736585 (cited by Labcorp Genetics (formerly Invitae), Labcorp and Myriad Genetics, Inc.); PubMed 29036195 (cited by Labcorp Genetics (formerly Invitae), Labcorp and Myriad Genetics, Inc.); PubMed 35407574 (cited by Myriad Genetics, Inc.); PubMed 31482957 (cited by Myriad Genetics, Inc.); PubMed 36654999 (cited by Myriad Genetics, Inc.); PubMed 28329921 (cited by Myriad Genetics, Inc.); PubMed 24915123 (cited by Myriad Genetics, Inc.); PubMed 26767918 (cited by New York Genome Center).

NM_001370259.2(MEN1):c.3G>A (p.Met1Ile)

Gene: MEN1 (menin 1; minus strand). Cytogenetic location: 11q13.1.
Variant type: single nucleotide variant.
Coding change: c.3G>A on transcript NM_001370259.2 (MANE Select); coding-DNA position 3, G replaced by A.
Protein change: p.Met1Ile; changes the start codon (methionine 1).
Molecular consequence: missense variant, initiator codon variant.
Genome position (GRCh38, 1-based): chr11:64,810,107, C>T on the plus strand (G>A on the coding strand, the complement: MEN1 is on the minus strand). VCF-style: chr11-64810107-C-T. GRCh37 (hg19) VCF-style: chr11-64577579-C-T.
Other names: c.3G>A, p.Met1Ile (NM_000244.4, NM_001370251.2, NM_001370260.2 and 9 more transcripts); short protein forms M1I.
Identifiers: ClinVar variation 188376 (VCV000188376.18), dbSNP rs786204242, ClinGen allele CA009394.